The following is an entry in ClinVar:

ClinVar aggregate classification (germline): Uncertain significance (1 of 4 stars; one submission).

Conditions:
Long QT syndrome (LQTS). Identifiers: MedGen C0023976, MeSH D008133, MONDO:0002442. Disease mechanism: loss of function. Inheritance: Various modes of inheritance.

gnomAD v4.1: 2 of 1,614,104 alleles (0.00012%); highest among the groups gnomAD compares: East Asian, 0.0045%; no homozygotes.

Submission:

Labcorp Genetics (formerly Invitae), Labcorp
Classification: Uncertain significance for Long QT syndrome. Last evaluated: 2019-09-24. Review status: criteria provided, single submitter. Criteria: Invitae Variant Classification Sherloc (09022015). Collection method: clinical testing. Allele origin: germline.
Comment: This sequence change replaces threonine with isoleucine at codon 152 of the KCNH2 protein (p.Thr152Ile). The threonine residue is weakly conserved and there is a moderate physicochemical difference between threonine and isoleucine. This variant is not present in population databases (ExAC no frequency). This variant has been observed in an individual affected with Brugada syndrome (PMID: 24400717). This variant has been reported to affect KCNH2 protein function (PMID: 24400717). In summary, the available evidence is currently insufficient to determine the role of this variant in disease. Therefore, it has been classified as a Variant of Uncertain Significance.

Literature cited by the submitters: PubMed 24400717.

NM_000238.4(KCNH2):c.455C>T (p.Thr152Ile)

Gene: KCNH2 (potassium voltage-gated channel subfamily H member 2; minus strand). Cytogenetic location: 7q36.1.
Variant type: single nucleotide variant.
Coding change: c.455C>T on transcript NM_000238.4 (MANE Select); coding-DNA position 455, C replaced by T.
Protein change: p.Thr152Ile; replaces threonine 152 with isoleucine.
Molecular consequence: missense variant.
Genome position (GRCh38, 1-based): chr7:150,959,589, G>A on the plus strand (C>T on the coding strand, the complement: KCNH2 is on the minus strand). VCF-style: chr7-150959589-G-A. GRCh37 (hg19) VCF-style: chr7-150656677-G-A.
Other names: c.167C>T, p.Thr56Ile (NM_001406753.1, NM_001406756.1); c.278C>T, p.Thr93Ile (NM_001406755.1); c.155C>T, p.Thr52Ile (NM_001406757.1); c.455C>T, p.Thr152Ile (NM_172056.3); short protein forms T152I, T52I, T93I, T56I.
Identifiers: ClinVar variation 940899 (VCV000940899.3), dbSNP rs794728354, ClinGen allele CA369863623.